The following is an entry in ClinVar:

ClinVar aggregate classification (germline): Likely pathogenic (1 of 4 stars; one submission).

Conditions:
Retinitis pigmentosa 37 (RP37). Identifiers: Orphanet 791, MedGen C1970163, MONDO:0012625, OMIM 611131.

Submission:

Genetic Diseases Diagnosis Center, Ankara Bilkent City Hospital
Classification: Likely pathogenic for Retinitis pigmentosa 37. Last evaluated: 2026-02-04. Review status: criteria provided, single submitter. Criteria: ACMG Guidelines, 2015. Collection method: clinical testing. Allele origin: germline. Inheritance: Autosomal recessive inheritance. Affected: yes. Observed: 1 compound heterozygote.
Comment: The variant NR2E3 (NM_014249.4): c.449delC (p.Pro150fs*29) is a frameshift variant predicted to result in a premature termination codon and loss of normal protein function. Loss of function is a well-established disease mechanism for NR2E3, which is associated with autosomal recessive retinal dystrophy. Therefore, this variant meets PVS1 (very strong evidence of pathogenicity). This variant is absent from population databases, including gnomAD and other large-scale control cohorts, supporting PM2 (moderate evidence of pathogenicity). The variant was detected in compound heterozygous state with the known pathogenic NR2E3 (NM_014249.4):c.119-2A>C variant, further supporting its clinical relevance. Based on the ACMG/AMP guidelines, the combination of PVS1 + PM2 supports classification of this variant as Likely Pathogenic.

NM_014249.4(NR2E3):c.449del (p.Pro150fs)

Gene: NR2E3 (nuclear receptor subfamily 2 group E member 3; plus strand). Cytogenetic location: 15q23.
Variant type: Deletion.
Coding change: c.449del on transcript NM_014249.4 (MANE Select); coding-DNA position 449, one base deleted (C; older notation c.449delC).
Protein change: p.Pro150fs; shifts the reading frame from proline 150.
Molecular consequence: frameshift variant.
Genome position (GRCh38, 1-based): chr15:71,812,054, C deleted; the last of 5 consecutive C bases (chr15:71,812,050-71,812,054); deleting any one gives the same sequence. VCF-style (leftmost placement, unchanged base first): chr15-71812049-TC-T. GRCh37 (hg19) VCF-style: chr15-72104389-TC-T.
Other names: p.P150fs*29; c.449del, p.Pro150fs (NM_016346.4); c.449delC (NM_014249.4); short protein forms P150fs.
Identifiers: ClinVar variation 4755397 (VCV004755397.1).